The following is an entry in ClinVar:

ClinVar aggregate classification (germline): Uncertain significance (1 of 4 stars; one submission).

Conditions:
Spinocerebellar ataxia type 42. Identifiers: Orphanet 458803, MedGen C4225205, MONDO:0014776, OMIM 616795.

Submission:

OLLIN Analises Genomicas, OLLIN
Classification: Uncertain significance for Spinocerebellar ataxia type 42. Last evaluated: 2026-02-13. Review status: criteria provided, single submitter. Criteria: ACMG Guidelines 2015 PMID 25741868. Collection method: clinical testing. Allele origin: germline. Observed: 1 variant allele.
Comment: PM2_P, PP2, PP3_M

NM_018896.5(CACNA1G):c.457A>C (p.Asn153His)

Gene: CACNA1G (calcium voltage-gated channel subunit alpha1 G; plus strand). Cytogenetic location: 17q21.33.
Variant type: single nucleotide variant.
Coding change: c.457A>C on transcript NM_018896.5 (MANE Select); coding-DNA position 457, A replaced by C.
Protein change: p.Asn153His; replaces asparagine 153 with histidine.
Molecular consequence: missense variant. On other transcripts: non-coding transcript variant (5).
Genome position (GRCh38, 1-based): chr17:50,569,267, A>C. VCF-style: chr17-50569267-A-C. GRCh37 (hg19) VCF-style: chr17-48646628-A-C.
Other names: c.457A>C, p.Asn153His (NM_001256324.2, NM_001256325.2, NM_001256326.2 and 24 more transcripts); short protein forms N153H.
Identifiers: ClinVar variation 4814068 (VCV004814068.1).